The following is an entry in ClinVar:

NM_015295.3(SMCHD1):c.5081G>C (p.Arg1694Thr)

Gene: SMCHD1 (structural maintenance of chromosomes flexible hinge domain containing 1; plus strand). Cytogenetic location: 18p11.32.
Variant type: single nucleotide variant.
Coding change: c.5081G>C on transcript NM_015295.3 (MANE Select); coding-DNA position 5081, G replaced by C.
Protein change: p.Arg1694Thr; replaces arginine 1694 with threonine.
Molecular consequence: missense variant.
Genome position (GRCh38, 1-based): chr18:2,772,278, G>C. VCF-style: chr18-2772278-G-C. GRCh37 (hg19) VCF-style: chr18-2772276-G-C.
Other names: c.5081G>C (NM_015295.2); short protein forms R1694T.
Identifiers: ClinVar variation 2061630 (VCV002061630.5), dbSNP rs1408284396, ClinGen allele CA401683352.
Genomic context (GRCh38, chr18:2,772,278, plus strand): 5'-TCTTGTAGTTAATTTTTCTTTATAAATTATAGGTGCCACACATTGAAGCACTTCTGAAAA[G>C]AAAGCTATCAGAACAAGAAGAACTGAAGAAAAAACCTAGAAGATCGTGTACTCTTCCAAA-3'
Protein context (NP_056110.2, residues 1684-1704): QVPHIEALLK[Arg1694Thr]KLSEQEELKK

ClinVar aggregate classification (germline): Uncertain significance. Review status: criteria provided, multiple submitters, no conflicts (2 of 4 stars). 2 submissions from 2 submitters: Uncertain significance (2). Last evaluated 2025-09-07.

Conditions:
Inborn genetic diseases. Identifiers: MedGen C0950123, MeSH D030342.
Facioscapulohumeral muscular dystrophy 2 (FSHD2). Also called: FACIOSCAPULOHUMERAL MUSCULAR DYSTROPHY 2, DIGENIC; FSHD2, DIGENIC; MUSCULAR DYSTROPHY, FACIOSCAPULOHUMERAL, TYPE 1B. Identifiers: Orphanet 269, MedGen C1834671, MONDO:0008031, OMIM 158901.

Allele frequency attached by ClinVar (database versions not stated): gnomAD 0.00002; TOPMed 0.00002; gnomAD exomes 0.00004.
gnomAD v4.1: 53 of 1,603,560 alleles (0.0033%); highest among the groups gnomAD compares: Non-Finnish European, 0.0044%; no homozygotes.

Submissions (2):

Labcorp Genetics (formerly Invitae), Labcorp
Classification: Uncertain significance for Facioscapulohumeral muscular dystrophy 2. Last evaluated: 2025-09-07. Review status: criteria provided, single submitter. Criteria: Invitae Variant Classification Sherloc (09022015). Collection method: clinical testing. Allele origin: germline.
Comment: This sequence change replaces arginine, which is basic and polar, with threonine, which is neutral and polar, at codon 1694 of the SMCHD1 protein (p.Arg1694Thr). This variant is not present in population databases (gnomAD no frequency). This variant has not been reported in the literature in individuals affected with SMCHD1-related conditions. ClinVar contains an entry for this variant (Variation ID: 2061630). Invitae Evidence Modeling of protein sequence and biophysical properties (such as structural, functional, and spatial information, amino acid conservation, physicochemical variation, residue mobility, and thermodynamic stability) indicates that this missense variant is not expected to disrupt SMCHD1 protein function with a negative predictive value of 80%. In summary, the available evidence is currently insufficient to determine the role of this variant in disease. Therefore, it has been classified as a Variant of Uncertain Significance.

Ambry Genetics
Classification: Uncertain significance for Inborn genetic diseases. Last evaluated: 2024-08-04. Review status: criteria provided, single submitter. Criteria: Ambry Variant Classification Scheme 2023. Collection method: clinical testing. Allele origin: germline.